The following is an entry in ClinVar:

ClinVar aggregate classification (germline): Uncertain significance (1 of 4 stars; one submission).

Allele frequency attached by ClinVar (database versions not stated): gnomAD exomes below 0.00001; gnomAD 0.00001; TOPMed 0.00002.
gnomAD v4.1: 3 of 1,614,096 alleles (0.00019%); highest among the groups gnomAD compares: Non-Finnish European, 0.00025%; no homozygotes.

Submission:

Labcorp Genetics (formerly Invitae), Labcorp
Classification: Uncertain significance. Last evaluated: 2022-12-08. Review status: criteria provided, single submitter. Criteria: Invitae Variant Classification Sherloc (09022015). Collection method: clinical testing. Allele origin: germline.
Comment: Advanced modeling of protein sequence and biophysical properties (such as structural, functional, and spatial information, amino acid conservation, physicochemical variation, residue mobility, and thermodynamic stability) has been performed at Invitae for this missense variant, however the output from this modeling did not meet the statistical confidence thresholds required to predict the impact of this variant on ERBB2 protein function. This variant has not been reported in the literature in individuals affected with ERBB2-related conditions. This variant is not present in population databases (gnomAD no frequency). This sequence change replaces leucine, which is neutral and non-polar, with valine, which is neutral and non-polar, at codon 428 of the ERBB2 protein (p.Leu428Val). In summary, the available evidence is currently insufficient to determine the role of this variant in disease. Therefore, it has been classified as a Variant of Uncertain Significance.

NM_004448.4(ERBB2):c.1282C>G (p.Leu428Val)

Gene: ERBB2 (erb-b2 receptor tyrosine kinase 2; plus strand). Cytogenetic location: 17q12.
Variant type: single nucleotide variant.
Coding change: c.1282C>G on transcript NM_004448.4 (MANE Select); coding-DNA position 1282, C replaced by G.
Protein change: p.Leu428Val; replaces leucine 428 with valine.
Molecular consequence: missense variant. On other transcripts: non-coding transcript variant (1), intron variant (1).
Genome position (GRCh38, 1-based): chr17:39,715,505, C>G. VCF-style: chr17-39715505-C-G. GRCh37 (hg19) VCF-style: chr17-37871758-C-G.
Other names: c.1192C>G, p.Leu398Val (NM_001005862.3, NM_001289938.2, NM_001382782.1 and 1 more transcripts); c.1237C>G, p.Leu413Val (NM_001289936.2); c.1282C>G, p.Leu428Val (NM_001289937.2, NM_001382785.1, NM_001382788.1 and 13 more transcripts); c.1399C>G, p.Leu467Val (NM_001382784.1, NM_001382786.1); c.1357C>G, p.Leu453Val (NM_001382787.1); c.1273C>G, p.Leu425Val (NM_001382791.1); c.1102C>G, p.Leu368Val (NM_001382799.1); c.1024C>G, p.Leu342Val (NM_001382802.1); and 2 more; short protein forms L428V, L467V, L368V, L152V, L398V, L425V, L342V, L413V.
Identifiers: ClinVar variation 2893759 (VCV002893759.3), dbSNP rs891454367, ClinGen allele CA290430499.